The following is an entry in ClinVar:

NM_000071.3(CBS):c.384G>A (p.Glu128=)

Gene: CBS (cystathionine beta-synthase; minus strand). Cytogenetic location: 21q22.3.
Variant type: single nucleotide variant.
Coding change: c.384G>A on transcript NM_000071.3 (MANE Select); coding-DNA position 384, G replaced by A.
Protein change: p.Glu128=; no amino-acid change (glutamic acid 128 retained).
Molecular consequence: synonymous variant.
Genome position (GRCh38, 1-based): chr21:43,066,310, C>T on the plus strand (G>A on the coding strand, the complement: CBS is on the minus strand). VCF-style: chr21-43066310-C-T. GRCh37 (hg19) VCF-style: chr21-44486420-C-T.
Other names: c.384G>A, p.Glu128= (NM_001178008.3, NM_001178009.3, NM_001320298.2); c.69G>A, p.Glu23= (NM_001321072.1).
Identifiers: ClinVar variation 538701 (VCV000538701.16), dbSNP rs374593242, ClinGen allele CA321097789.

ClinVar aggregate classification (germline): Likely benign. Review status: criteria provided, multiple submitters, no conflicts (2 of 4 stars). 3 submissions from 3 submitters: Likely benign (3). Last evaluated 2026-07-01.

Conditions:
HYPERHOMOCYSTEINEMIA, THROMBOTIC, CBS-RELATED. Identifiers: MedGen C3150344, OMIM 236200.
Familial thoracic aortic aneurysm and aortic dissection (TAAD). Also called: Thoracic aortic aneurysms and dissections. Identifiers: Orphanet 91387, MedGen C4707243, MONDO:0019625.

Allele frequency attached by ClinVar (database versions not stated): ExAC 0.00001; gnomAD exomes 0.00001; gnomAD 0.00002.

Submissions (3):

CeGaT Center for Human Genetics Tuebingen
Classification: Likely benign. Last evaluated: 2026-07-01. Review status: criteria provided, single submitter. Criteria: CeGaT Center For Human Genetics Tuebingen Variant Classification Criteria Version 2. Collection method: clinical testing. Allele origin: germline. Affected: yes. Observed: 1 variant allele.
Comment: CBS: BP4, BP7

Labcorp Genetics (formerly Invitae), Labcorp
Classification: Likely benign for HYPERHOMOCYSTEINEMIA, THROMBOTIC, CBS-RELATED. Last evaluated: 2026-02-02. Review status: criteria provided, single submitter. Criteria: Invitae Variant Classification Sherloc (09022015). Collection method: clinical testing. Allele origin: germline.

Ambry Genetics
Classification: Likely benign for Familial thoracic aortic aneurysm and aortic dissection. Last evaluated: 2021-04-30. Review status: criteria provided, single submitter. Criteria: Ambry Variant Classification Scheme 2023. Collection method: clinical testing. Allele origin: germline.